The following is an entry in ClinVar:

ClinVar aggregate classification (germline): Uncertain significance. Review status: criteria provided, multiple submitters, no conflicts (2 of 4 stars). 3 submissions from 3 submitters: Uncertain significance (3). Last evaluated 2026-01-07.

Conditions:
Cardiovascular phenotype. Identifiers: MedGen CN230736.
RASopathy. Also called: rasopathies; Noonan spectrum disorder. Identifiers: Orphanet 536391, MedGen C5555857, MONDO:0021060.

Submissions (3):

Labcorp Genetics (formerly Invitae), Labcorp
Classification: Uncertain significance for RASopathy. Last evaluated: 2026-01-07. Review status: criteria provided, single submitter. Criteria: Invitae Variant Classification Sherloc (09022015). Collection method: clinical testing. Allele origin: germline.
Comment: This sequence change replaces lysine, which is basic and polar, with glutamine, which is neutral and polar, at codon 482 of the PTPN11 protein (p.Lys482Gln). This variant is not present in population databases (gnomAD no frequency). This variant has not been reported in the literature in individuals affected with PTPN11-related conditions. ClinVar contains an entry for this variant (Variation ID: 2430616). Invitae Evidence Modeling of protein sequence and biophysical properties (such as structural, functional, and spatial information, amino acid conservation, physicochemical variation, residue mobility, and thermodynamic stability) indicates that this missense variant is not expected to disrupt PTPN11 protein function with a negative predictive value of 95%. In summary, the available evidence is currently insufficient to determine the role of this variant in disease. Therefore, it has been classified as a Variant of Uncertain Significance.

Ambry Genetics
Classification: Uncertain significance for Cardiovascular phenotype. Last evaluated: 2025-03-21. Review status: criteria provided, single submitter. Criteria: Ambry Variant Classification Scheme 2023. Collection method: clinical testing. Allele origin: germline.
Comment: The p.K482Q variant (also known as c.1444A>C), located in coding exon 12 of the PTPN11 gene, results from an A to C substitution at nucleotide position 1444. The lysine at codon 482 is replaced by glutamine, an amino acid with similar properties. This amino acid position is conserved. In addition, this alteration is predicted to be tolerated by in silico analysis. Based on the available evidence, the clinical significance of this variant remains unclear.

GeneDx
Classification: Uncertain significance. Last evaluated: 2023-02-14. Review status: criteria provided, single submitter. Criteria: GeneDx Variant Classification Process June 2021. Collection method: clinical testing. Allele origin: germline. Affected: yes.
Comment: Not observed at significant frequency in large population cohorts (gnomAD); Missense variants in this gene are often considered pathogenic (HGMD); In silico analysis supports that this missense variant does not alter protein structure/function; Has not been previously published as pathogenic or benign to our knowledge; This variant is associated with the following publications: (PMID: 29493581)

NM_002834.5(PTPN11):c.1444A>C (p.Lys482Gln)

Gene: PTPN11 (protein tyrosine phosphatase non-receptor type 11; plus strand). Cytogenetic location: 12q24.13.
Variant type: single nucleotide variant.
Coding change: c.1444A>C on transcript NM_002834.5 (MANE Select); coding-DNA position 1444, A replaced by C.
Protein change: p.Lys482Gln; replaces lysine 482 with glutamine.
Molecular consequence: missense variant.
Genome position (GRCh38, 1-based): chr12:112,488,507, A>C. VCF-style: chr12-112488507-A-C. GRCh37 (hg19) VCF-style: chr12-112926311-A-C.
Other names: c.1456A>C, p.Lys486Gln (NM_001330437.2); c.1441A>C, p.Lys481Gln (NM_001374625.1); short protein forms K481Q, K482Q, K486Q.
Identifiers: ClinVar variation 2430616 (VCV002430616.5), dbSNP rs2540464806, ClinGen allele CA386778642.
Genomic context (GRCh38, chr12:112,488,507, plus strand): 5'-GGAATTGGCCGGACAGGGACGTTCATTGTGATTGATATTCTTATTGACATCATCAGAGAG[A>C]AAGGTGGGTCATCTGGTGGGCAAGAAGCGACAGTTTCTGTTTTTAGTTTATGGAAGGAAA-3'
Protein context (NP_002825.3, residues 472-492): IDILIDIIRE[Lys482Gln]GVDCDIDVPK